The following is an entry in ClinVar:

NM_024685.4(BBS10):c.1025T>C (p.Ile342Thr)

Gene: BBS10 (Bardet-Biedl syndrome 10; minus strand). Cytogenetic location: 12q21.2.
Variant type: single nucleotide variant.
Coding change: c.1025T>C on transcript NM_024685.4 (MANE Select); coding-DNA position 1025, T replaced by C.
Protein change: p.Ile342Thr; replaces isoleucine 342 with threonine.
Molecular consequence: missense variant.
Genome position (GRCh38, 1-based): chr12:76,346,960, A>G on the plus strand (T>C on the coding strand, the complement: BBS10 is on the minus strand). VCF-style: chr12-76346960-A-G. GRCh37 (hg19) VCF-style: chr12-76740740-A-G.
Other names: short protein forms I342T.
Identifiers: ClinVar variation 842018 (VCV000842018.10), dbSNP rs1951764046, ClinGen allele CA385813096.

ClinVar aggregate classification (germline): Conflicting classifications of pathogenicity. Review status: criteria provided, conflicting classifications (1 of 4 stars). 2 submissions from 2 submitters: Likely pathogenic (1); Uncertain significance (1). Last evaluated 2025-10-01.

Conditions:
Bardet-Biedl syndrome (BBS). Identifiers: Orphanet 110, MedGen C0752166, MONDO:0015229.

Submissions (2):

Labcorp Genetics (formerly Invitae), Labcorp
Classification: Likely pathogenic for Bardet-Biedl syndrome. Last evaluated: 2025-10-01. Review status: criteria provided, single submitter. Criteria: Invitae Variant Classification Sherloc (09022015). Collection method: clinical testing. Allele origin: germline.
Comment: This sequence change replaces isoleucine, which is neutral and non-polar, with threonine, which is neutral and polar, at codon 342 of the BBS10 protein (p.Ile342Thr). This variant is not present in population databases (gnomAD no frequency). This missense change has been observed in individual(s) with Bardet-Biedl syndrome (internal data). ClinVar contains an entry for this variant (Variation ID: 842018). Invitae Evidence Modeling of protein sequence and biophysical properties (such as structural, functional, and spatial information, amino acid conservation, physicochemical variation, residue mobility, and thermodynamic stability) indicates that this missense variant is expected to disrupt BBS10 protein function with a positive predictive value of 80%. In summary, the currently available evidence indicates that the variant is pathogenic, but additional data are needed to prove that conclusively. Therefore, this variant has been classified as Likely Pathogenic.

GeneDx
Classification: Uncertain significance. Last evaluated: 2024-10-08. Review status: criteria provided, single submitter. Criteria: GeneDx Variant Classification Process June 2021. Collection method: clinical testing. Allele origin: germline. Affected: yes.
Comment: Not observed at significant frequency in large population cohorts (gnomAD); In silico analysis supports that this missense variant has a deleterious effect on protein structure/function; Has not been previously published as pathogenic or benign to our knowledge; This variant is associated with the following publications: (PMID: 36312387)